The following is an entry in ClinVar:

ClinVar aggregate classification (germline): Pathogenic. Review status: reviewed by expert panel (3 of 4 stars). 3 submissions from 3 submitters: Pathogenic (1). 2 of the submissions do not count toward it. Last evaluated 2017-12-15.

Conditions:
Hereditary breast ovarian cancer syndrome. Also called: Hereditary breast and ovarian cancer syndrome; Hereditary breast and ovarian cancer; Hereditary breast and ovarian cancer syndrome (HBOC); Breast and ovarian cancer; Hereditary breast and/or ovarian cancer syndrome; BRCA1- and BRCA2-Associated Hereditary Breast and Ovarian Cancer. Identifiers: Orphanet 145, MedGen C0677776, MeSH D061325, MONDO:0003582. Disease mechanism: loss of function.
Familial cancer of breast. Also called: BREAST CANCER, FAMILIAL; Hereditary breast cancer; hereditary breast carcinoma. Identifiers: Orphanet 227535, MedGen C0346153, MONDO:0016419, OMIM 114480. Disease mechanism: loss of function.
Breast-ovarian cancer, familial, susceptibility to, 2 (BROVCA2). Also called: BRCA2 Hereditary Breast and Ovarian Cancer. Identifiers: Orphanet 145, MedGen C2675520, MONDO:0012933, OMIM 612555. Disease mechanism: loss of function.

Submissions (3):

Evidence-based Network for the Interpretation of Germline Mutant Alleles (ENIGMA)
Classification: Pathogenic for Breast-ovarian cancer, familial, susceptibility to, 2. Last evaluated: 2017-12-15. Review status: reviewed by expert panel. Criteria: ENIGMA BRCA1/2 Classification Criteria (2017-06-29). Collection method: curation. Allele origin: germline. Study: ENIGMA.
Comment: Variant allele predicted to encode a truncated non-functional protein.

Labcorp Genetics (formerly Invitae), Labcorp
Classification: Pathogenic for Hereditary breast ovarian cancer syndrome. Last evaluated: 2025-01-15. Review status: criteria provided, single submitter. Criteria: Invitae Variant Classification Sherloc (09022015). Collection method: clinical testing. Allele origin: germline. Not counted in ClinVar's aggregate classification.
Comment: This sequence change creates a premature translational stop signal (p.Ser1989Argfs*13) in the BRCA2 gene. It is expected to result in an absent or disrupted protein product. Loss-of-function variants in BRCA2 are known to be pathogenic (PMID: 20104584). This variant is not present in population databases (gnomAD no frequency). This premature translational stop signal has been observed in individual(s) with breast cancer and prostate cancer (PMID: 20383589). This variant is also known as 6192delAT. ClinVar contains an entry for this variant (Variation ID: 51975). For these reasons, this variant has been classified as Pathogenic.

ClinVar Staff, National Center for Biotechnology Information (NCBI)
No classification provided. Condition: Familial cancer of breast. Review status: no classification provided. Collection method: literature only. Allele origin: germline. Affected: yes. Not counted in ClinVar's aggregate classification.

Literature cited by the submitters: PubMed 20104584 (cited by Labcorp Genetics (formerly Invitae), Labcorp); PubMed 20383589 (cited by Labcorp Genetics (formerly Invitae), Labcorp and ClinVar Staff, National Center for Biotechnology Information (NCBI)).

NM_000059.4(BRCA2):c.5964_5965del (p.Ser1989fs)

Gene: BRCA2 (BRCA2 DNA repair associated; plus strand). Cytogenetic location: 13q13.1.
Variant type: Deletion.
Coding change: c.5964_5965del on transcript NM_000059.4 (MANE Select); coding-DNA positions 5964 to 5965, 2 bases deleted (AT; older notation c.5964_5965delAT).
Protein change: p.Ser1989fs; shifts the reading frame from serine 1989.
Molecular consequence: frameshift variant.
Genome position (GRCh38, 1-based): chr13:32,340,319-32,340,320, AT deleted; deleting any 2 consecutive bases within chr13:32,340,318-32,340,320 gives the same sequence; the c. name uses the placement nearest the transcript's 3' end. VCF-style (leftmost placement, unchanged base first): chr13-32340317-GTA-G. GRCh37 (hg19) VCF-style: chr13-32914454-GTA-G.
Other names: c.5964_5965delAT (NM_000059.3); short protein forms S1989fs.
Identifiers: ClinVar variation 51975 (VCV000051975.5), dbSNP rs397507817, ClinGen allele CA023427.